The following is an entry in ClinVar:

ClinVar aggregate classification (germline): Benign/Likely benign. Review status: criteria provided, multiple submitters, no conflicts (2 of 4 stars). 3 submissions from 3 submitters: Benign (1); Likely benign (2). Last evaluated 2024-12-23.

Conditions:
Hereditary cancer-predisposing syndrome. Also called: Neoplastic Syndromes, Hereditary; Tumor predisposition; Hereditary Cancer Syndrome; Hereditary neoplastic syndrome. Identifiers: Orphanet 140162, MedGen C0027672, MeSH D009386, MONDO:0015356.
Familial cancer of breast. Also called: BREAST CANCER, FAMILIAL; Hereditary breast cancer; hereditary breast carcinoma. Identifiers: Orphanet 227535, MedGen C0346153, MONDO:0016419, OMIM 114480. Disease mechanism: loss of function.

Submissions (3):

Labcorp Genetics (formerly Invitae), Labcorp
Classification: Likely benign for Familial cancer of breast. Last evaluated: 2024-12-23. Review status: criteria provided, single submitter. Criteria: Invitae Variant Classification Sherloc (09022015). Collection method: clinical testing. Allele origin: germline.

Myriad Genetics, Inc.
Classification: Benign for Familial cancer of breast. Last evaluated: 2024-07-29. Review status: criteria provided, single submitter. Criteria: Myriad Autosomal Dominant, Autosomal Recessive and X-Linked Classification Criteria (2023). Collection method: clinical testing. Allele origin: unknown.
Comment: This variant is considered benign. This variant is a silent/synonymous amino acid change and it is not expected to impact splicing.

Ambry Genetics
Classification: Likely benign for Hereditary cancer-predisposing syndrome. Last evaluated: 2017-02-07. Review status: criteria provided, single submitter. Criteria: Ambry Variant Classification Scheme 2023. Collection method: clinical testing. Allele origin: germline.

NM_000465.4(BARD1):c.1935T>C (p.Cys645=)

Gene: BARD1 (BRCA1 associated RING domain 1; minus strand). Cytogenetic location: 2q35.
Variant type: single nucleotide variant.
Coding change: c.1935T>C on transcript NM_000465.4 (MANE Select); coding-DNA position 1935, T replaced by C.
Protein change: p.Cys645=; no amino-acid change (cysteine 645 retained).
Molecular consequence: synonymous variant. On other transcripts: non-coding transcript variant (3).
Genome position (GRCh38, 1-based): chr2:214,730,477, A>G on the plus strand (T>C on the coding strand, the complement: BARD1 is on the minus strand). VCF-style: chr2-214730477-A-G. GRCh37 (hg19) VCF-style: chr2-215595201-A-G.
Other names: c.1878T>C, p.Cys626= (NM_001282543.2); c.582T>C, p.Cys194= (NM_001282545.2); c.525T>C, p.Cys175= (NM_001282548.2); c.396T>C, p.Cys132= (NM_001282549.2).
Identifiers: ClinVar variation 485320 (VCV000485320.15), dbSNP rs1553612524, ClinGen allele CA431139559.
Genomic context (GRCh38, chr2:214,730,477, plus strand): 5'-TTCTCTGTTGAGCCTGCTTCTGCGTGGACCTTCAGGAATTTCATACTTTTCTTCCTGTTC[A>G]CATACTTTTCTTCGTAGACATGCTTTTACCCCTGACAAAAACACAAGAATTAAAGCAAAC-3'
Protein context (NP_000456.2, residues 635-655): WVKACLRRKV[Cys645=]EQEEKYEIPE